The following is an entry in ClinVar:

NC_000012.11:g.(?_64849651)_(64854129_?)del

Gene: TBK1 (TANK binding kinase 1; plus strand). Cytogenetic location: 12q14.2.
Variant type: Deletion.
Identifiers: ClinVar variation 2425832 (VCV002425832.4).

ClinVar aggregate classification (germline): Pathogenic (1 of 4 stars; one submission).

Conditions:
Frontotemporal dementia and/or amyotrophic lateral sclerosis 4. Also called: FTDALS4. Identifiers: Orphanet 275872, MedGen C4225325, MONDO:0014641, OMIM 616439.

Submission:

Labcorp Genetics (formerly Invitae), Labcorp
Classification: Pathogenic for Frontotemporal dementia and/or amyotrophic lateral sclerosis 4. Last evaluated: 2023-10-22. Review status: criteria provided, single submitter. Criteria: Invitae Variant Classification Sherloc (09022015). Collection method: clinical testing. Allele origin: germline.
Comment: This variant is a gross deletion of the genomic region encompassing exon(s) 2-3 of the TBK1 gene, which includes the initiator codon. This deletion extends beyond the assayed region for this gene and therefore may encompass additional genes. It is expected to result in an absent or disrupted protein product. Loss-of-function variants in TBK1 are known to be pathogenic (PMID: 25803835, 26476236, 26581300). This variant has not been reported in the literature in individuals affected with TBK1-related conditions. For these reasons, this variant has been classified as Pathogenic.

Literature cited by the submitters: PubMed 25803835; PubMed 26476236; PubMed 26581300.